The following is an entry in ClinVar:

NM_001371623.1(TCOF1):c.134C>T (p.Thr45Ile)

Gene: TCOF1 (treacle ribosome biogenesis factor 1; plus strand). Cytogenetic location: 5q32.
Variant type: single nucleotide variant.
Coding change: c.134C>T on transcript NM_001371623.1 (MANE Select); coding-DNA position 134, C replaced by T.
Protein change: p.Thr45Ile; replaces threonine 45 with isoleucine.
Molecular consequence: missense variant.
Genome position (GRCh38, 1-based): chr5:150,361,181, C>T. VCF-style: chr5-150361181-C-T. GRCh37 (hg19) VCF-style: chr5-149740744-C-T.
Other names: c.134C>T, p.Thr45Ile (NM_000356.4, NM_001008657.3, NM_001135243.2 and 3 more transcripts); short protein forms T45I.
Identifiers: ClinVar variation 1436216 (VCV001436216.8), dbSNP rs1188694708, ClinGen allele CA361728352.
Genomic context (GRCh38, chr5:150,361,181, plus strand): 5'-GGATTAATTGTGGCTTTCTCTTTACCTCTCTGCAGAAGTGTTTCCTGGCTCAGCCCGTAA[C>T]CCTTCTGGACATCTATACACACTGGCAACAGTAAGTGGTGGGGCCTATAGGGTGGAGTAG-3'
Protein context (NP_001358552.1, residues 35-55): GQKCFLAQPV[Thr45Ile]LLDIYTHWQQ

ClinVar aggregate classification (germline): Uncertain significance (1 of 4 stars; one submission).

Conditions:
Treacher Collins syndrome 1 (TCS1). Also called: TCOF1-Related Treacher Collins Syndrome. Identifiers: Orphanet 861, MedGen CN315775, MONDO:0007944, OMIM 154500.

Submission:

Labcorp Genetics (formerly Invitae), Labcorp
Classification: Uncertain significance for Treacher Collins syndrome 1. Last evaluated: 2021-05-16. Review status: criteria provided, single submitter. Criteria: Invitae Variant Classification Sherloc (09022015). Collection method: clinical testing. Allele origin: germline.
Comment: This sequence change replaces threonine with isoleucine at codon 45 of the TCOF1 protein (p.Thr45Ile). The threonine residue is highly conserved and there is a moderate physicochemical difference between threonine and isoleucine. This variant is not present in population databases (ExAC no frequency). This variant has been observed in one or more individuals who were not affected with TCOF1-related conditions (Invitae). Algorithms developed to predict the effect of missense changes on protein structure and function are either unavailable or do not agree on the potential impact of this missense change (SIFT: "Deleterious"; PolyPhen-2: "Benign"; Align-GVGD: "Class C0"). In summary, the available evidence is currently insufficient to determine the role of this variant in disease. Therefore, it has been classified as a Variant of Uncertain Significance.